The following is an entry in ClinVar:

ClinVar aggregate classification (germline): Benign. Review status: criteria provided, multiple submitters, no conflicts (2 of 4 stars). 4 submissions from 4 submitters: Benign (4). Last evaluated 2026-02-01.

Allele frequency attached by ClinVar (database versions not stated): 1000 Genomes Project 30x 0.00390; 1000 Genomes Project 0.00399; ExAC 0.01033; gnomAD exomes 0.01214 and 0.01909; TOPMed 0.01241; gnomAD 0.01313 and 0.01420; ESP Exome Variant Server 0.01730.
gnomAD v4.1: 28,494 of 1,550,558 alleles (1.8%); highest among the groups gnomAD compares: Non-Finnish European, 2.2%; 305 homozygotes.

Submissions (4):

Labcorp Genetics (formerly Invitae), Labcorp
Classification: Benign. Last evaluated: 2026-02-01. Review status: criteria provided, single submitter. Criteria: Invitae Variant Classification Sherloc (09022015). Collection method: clinical testing. Allele origin: germline.

Blueprint Genetics
Classification: Benign. Last evaluated: 2024-11-28. Review status: criteria provided, single submitter. Criteria: ACMG Guidelines, 2015. Collection method: clinical testing. Allele origin: germline.

Mayo Clinic Laboratories, Mayo Clinic
Classification: Benign. Last evaluated: 2023-02-17. Review status: criteria provided, single submitter. Criteria: ACMG Guidelines, 2015. Collection method: clinical testing. Allele origin: germline. Observed: 7 variant alleles.
Comment: BS1, BS2, BP4, BP7

Breakthrough Genomics
Classification: Benign. Review status: criteria provided, single submitter. Criteria: ACMG Guidelines, 2015. Collection method: not provided. Allele origin: germline. Inheritance: Autosomal dominant inheritance. Affected: yes.

NM_001142966.3(GREB1L):c.1438C>T (p.Leu480=)

Genes: GREB1L (GREB1 like retinoic acid receptor coactivator; plus strand), GREB1L-AS1 (GREB1L antisense RNA 1; minus strand). Cytogenetic location: 18q11.1.
Variant type: single nucleotide variant.
Coding change: c.1438C>T on transcript NM_001142966.3 (MANE Select); coding-DNA position 1438, C replaced by T.
Protein change: p.Leu480=; no amino-acid change (leucine 480 retained).
Molecular consequence: synonymous variant.
Genome position (GRCh38, 1-based): chr18:21,449,554, C>T. VCF-style: chr18-21449554-C-T. GRCh37 (hg19) VCF-style: chr18-19029515-C-T.
Other names: p.Leu480=; c.1438C>T (NM_001142966.2).
Identifiers: ClinVar variation 1598584 (VCV001598584.11), dbSNP rs34656972, ClinGen allele CA8906406.